The following is an entry in ClinVar:

NM_005458.8(GABBR2):c.1963A>G (p.Ile655Val)

Gene: GABBR2 (gamma-aminobutyric acid type B receptor subunit 2; minus strand). Cytogenetic location: 9q22.33.
Variant type: single nucleotide variant.
Coding change: c.1963A>G on transcript NM_005458.8 (MANE Select); coding-DNA position 1963, A replaced by G.
Protein change: p.Ile655Val; replaces isoleucine 655 with valine.
Molecular consequence: missense variant.
Genome position (GRCh38, 1-based): chr9:98,311,136, T>C on the plus strand (A>G on the coding strand, the complement: GABBR2 is on the minus strand). VCF-style: chr9-98311136-T-C. GRCh37 (hg19) VCF-style: chr9-101073418-T-C.
Other names: short protein forms I655V.
Identifiers: ClinVar variation 2825009 (VCV002825009.3), dbSNP rs2491221350, ClinGen allele CA374203413.

ClinVar aggregate classification (germline): Uncertain significance (1 of 4 stars; one submission).

Conditions:
Epileptic encephalopathy. Identifiers: MedGen C0543888, HP:0200134.

Allele frequency attached by ClinVar (database versions not stated): gnomAD exomes below 0.00001.
gnomAD v4.1: 4 of 1,613,250 alleles (0.00025%); highest among the groups gnomAD compares: Non-Finnish European, 0.00025%; no homozygotes.

Submission:

Labcorp Genetics (formerly Invitae), Labcorp
Classification: Uncertain significance for Epileptic encephalopathy. Last evaluated: 2022-12-30. Review status: criteria provided, single submitter. Criteria: Invitae Variant Classification Sherloc (09022015). Collection method: clinical testing. Allele origin: germline.
Comment: This sequence change replaces isoleucine, which is neutral and non-polar, with valine, which is neutral and non-polar, at codon 655 of the GABBR2 protein (p.Ile655Val). This variant is not present in population databases (gnomAD no frequency). This variant has not been reported in the literature in individuals affected with GABBR2-related conditions. Advanced modeling of protein sequence and biophysical properties (such as structural, functional, and spatial information, amino acid conservation, physicochemical variation, residue mobility, and thermodynamic stability) performed at Invitae indicates that this missense variant is not expected to disrupt GABBR2 protein function. In summary, the available evidence is currently insufficient to determine the role of this variant in disease. Therefore, it has been classified as a Variant of Uncertain Significance.